The following is an entry in ClinVar:

NM_000511.6(FUT2):c.243A>G (p.Thr81=)

Genes: FUT2 (fucosyltransferase 2 (H blood group); plus strand), LOC105447645 (uncharacterized LOC105447645; minus strand). Cytogenetic location: 19q13.33.
Variant type: single nucleotide variant.
Coding change: c.243A>G on transcript NM_000511.6 (MANE Select); coding-DNA position 243, A replaced by G.
Protein change: p.Thr81=; no amino-acid change (threonine 81 retained).
Molecular consequence: synonymous variant. On other transcripts: non-coding transcript variant (1).
Genome position (GRCh38, 1-based): chr19:48,703,199, A>G. VCF-style: chr19-48703199-A-G. GRCh37 (hg19) VCF-style: chr19-49206456-A-G.
Other names: c.243A>G, p.Thr81= (NM_001097638.3).
Identifiers: ClinVar variation 3052051 (VCV003052051.2), dbSNP rs770523746, ClinGen allele CA9556188.
Genomic context (GRCh38, chr19:48,703,199, plus strand): 5'-GGGGATGTGGACGATCAATGCAATAGGCCGCCTGGGGAACCAGATGGGCGAGTACGCCAC[A>G]CTGTACGCCCTGGCCAAGATGAACGGGCGGCCCGCCTTCATCCCGGCCCAGATGCACAGC-3'
Protein context (NP_000502.4, residues 71-91): RLGNQMGEYA[Thr81=]LYALAKMNGR

ClinVar aggregate classification (germline): Likely benign (0 of 4 stars; one submission).

Conditions:
FUT2-related disorder. Also called: FUT2-related condition.

Allele frequency attached by ClinVar (database versions not stated): ExAC 0.00007.

Submission:

PreventionGenetics, part of Exact Sciences
Classification: Likely benign for FUT2-related condition. Last evaluated: 2019-03-18. Review status: no assertion criteria provided. Collection method: clinical testing. Allele origin: germline.
Comment: This variant is classified as likely benign based on ACMG/AMP sequence variant interpretation guidelines (Richards et al. 2015 PMID: 25741868, with internal and published modifications).